The following is an entry in ClinVar:

NM_001164508.2(NEB):c.24306A>C (p.Leu8102Phe)

Genes: NEB (nebulin; minus strand), RIF1 (replication timing regulatory factor 1; plus strand). Cytogenetic location: 2q23.3.
Variant type: single nucleotide variant.
Coding change: c.24306A>C on transcript NM_001164508.2 (MANE Select); coding-DNA position 24306, A replaced by C.
Protein change: p.Leu8102Phe; replaces leucine 8102 with phenylalanine.
Molecular consequence: missense variant. On other transcripts: intron variant (1).
Genome position (GRCh38, 1-based): chr2:151,497,028, T>G on the plus strand (A>C on the coding strand, the complement: NEB is on the minus strand). VCF-style: chr2-151497028-T-G. GRCh37 (hg19) VCF-style: chr2-152353542-T-G.
Other names: c.24306A>C, p.Leu8102Phe (NM_001164507.2); c.24411A>C, p.Leu8137Phe (NM_001271208.2); c.18826-660A>C (NM_004543.5); short protein forms L8137F, L8102F.
Identifiers: ClinVar variation 583024 (VCV000583024.10), dbSNP rs1217235799, ClinGen allele CA348778654.

ClinVar aggregate classification (germline): Uncertain significance. Review status: criteria provided, single submitter (1 of 4 stars). 2 submissions from 2 submitters: Uncertain significance (1). 1 of the submissions does not count toward it. Last evaluated 2022-07-18.

Conditions:
Nemaline myopathy 2 (NEM2). Also called: Nemaline myopathy 2, autosomal recessive. Identifiers: MedGen C1850569, MONDO:0009725, OMIM 256030.

Allele frequency attached by ClinVar (database versions not stated): gnomAD exomes below 0.00001; gnomAD 0.00001; TOPMed 0.00001.
gnomAD v4.1: 2 of 1,568,442 alleles (0.00013%); highest among the groups gnomAD compares: Non-Finnish European, 0.00017%; no homozygotes.

Submissions (2):

Labcorp Genetics (formerly Invitae), Labcorp
Classification: Uncertain significance for Nemaline myopathy 2. Last evaluated: 2022-07-18. Review status: criteria provided, single submitter. Criteria: Invitae Variant Classification Sherloc (09022015). Collection method: clinical testing. Allele origin: germline.
Comment: This sequence change replaces leucine, which is neutral and non-polar, with phenylalanine, which is neutral and non-polar, at codon 8137 of the NEB protein (p.Leu8137Phe). This variant is not present in population databases (gnomAD no frequency). This variant has not been reported in the literature in individuals affected with NEB-related conditions. ClinVar contains an entry for this variant (Variation ID: 583024). Algorithms developed to predict the effect of missense changes on protein structure and function are either unavailable or do not agree on the potential impact of this missense change (SIFT: "Deleterious"; PolyPhen-2: "Not Available"; Align-GVGD: "Class C0"). In summary, the available evidence is currently insufficient to determine the role of this variant in disease. Therefore, it has been classified as a Variant of Uncertain Significance.

Natera, Inc.
Classification: Uncertain significance for Nemaline myopathy type 2. Last evaluated: 2020-03-27. Review status: no assertion criteria provided. Collection method: clinical testing. Allele origin: germline. Not counted in ClinVar's aggregate classification.